The following is an entry in ClinVar:

ClinVar aggregate classification (germline): Uncertain significance (1 of 4 stars; one submission).

Allele frequency attached by ClinVar (database versions not stated): gnomAD 0.00001; gnomAD exomes 0.00001; ExAC 0.00002; TOPMed 0.00003; ESP Exome Variant Server 0.00024.
gnomAD v4.1: 10 of 1,612,896 alleles (0.00062%); highest among the groups gnomAD compares: African/African-American, 0.0027%; no homozygotes.

Submission:

Greenwood Genetic Center Diagnostic Laboratories, Greenwood Genetic Center
Classification: Uncertain significance. Last evaluated: 2022-06-07. Review status: criteria provided, single submitter. Criteria: ACMG Guidelines, 2015. Collection method: clinical testing. Allele origin: germline. Affected: yes.
Comment: Gene of Uncertain Significance

NM_022553.6(VPS52):c.373C>T (p.Arg125Ter)

Gene: VPS52 (VPS52 subunit of GARP complex; minus strand). Cytogenetic location: 6p21.32.
Variant type: single nucleotide variant.
Coding change: c.373C>T on transcript NM_022553.6 (MANE Select); coding-DNA position 373, C replaced by T.
Protein change: p.Arg125Ter; replaces arginine 125 with a stop codon.
Molecular consequence: nonsense. On other transcripts: 5 prime UTR variant (2).
Genome position (GRCh38, 1-based): chr6:33,269,189, G>A on the plus strand (C>T on the coding strand, the complement: VPS52 is on the minus strand). VCF-style: chr6-33269189-G-A. GRCh37 (hg19) VCF-style: chr6-33236966-G-A.
Other names: c.172C>T, p.Arg58Ter (NM_001289174.2); c.-3C>T (NM_001289175.1, NM_001289176.1); short protein forms R125*, R58*.
Identifiers: ClinVar variation 1703098 (VCV001703098.3), dbSNP rs148755872, ClinGen allele CA3753639.
Genomic context (GRCh38, chr6:33,269,189, plus strand): 5'-GGATCTCAGAGCTGATGGAGCTGAGGTCACTCTGAAAAGCTCCCAACATCTGCTCCATTC[G>A]CTGTAGGGAGGGTAGATGTTGCCGGAGTGCTATAGGGTTTGTAGGGGATAAGTGGGCCAC-3'